The following is an entry in ClinVar:

ClinVar aggregate classification (germline): Uncertain significance (1 of 4 stars; one submission).

Allele frequency attached by ClinVar (database versions not stated): gnomAD 0.00001; TOPMed 0.00001.
gnomAD v4.1: 41 of 1,599,506 alleles (0.0026%); highest among the groups gnomAD compares: Non-Finnish European, 0.0034%; no homozygotes.

Submission:

Labcorp Genetics (formerly Invitae), Labcorp
Classification: Uncertain significance. Last evaluated: 2023-03-17. Review status: criteria provided, single submitter. Criteria: Invitae Variant Classification Sherloc (09022015). Collection method: clinical testing. Allele origin: germline.
Comment: This sequence change replaces lysine, which is basic and polar, with asparagine, which is neutral and polar, at codon 571 of the MYSM1 protein (p.Lys571Asn). This variant is not present in population databases (gnomAD no frequency). This variant has not been reported in the literature in individuals affected with MYSM1-related conditions. ClinVar contains an entry for this variant (Variation ID: 1473594). Advanced modeling of protein sequence and biophysical properties (such as structural, functional, and spatial information, amino acid conservation, physicochemical variation, residue mobility, and thermodynamic stability) performed at Invitae indicates that this missense variant is not expected to disrupt MYSM1 protein function. In summary, the available evidence is currently insufficient to determine the role of this variant in disease. Therefore, it has been classified as a Variant of Uncertain Significance.

NM_001085487.3(MYSM1):c.1713G>T (p.Lys571Asn)

Gene: MYSM1 (Myb like, SWIRM and MPN domains 1; minus strand). Cytogenetic location: 1p32.1.
Variant type: single nucleotide variant.
Coding change: c.1713G>T on transcript NM_001085487.3 (MANE Select); coding-DNA position 1713, G replaced by T.
Protein change: p.Lys571Asn; replaces lysine 571 with asparagine.
Molecular consequence: missense variant.
Genome position (GRCh38, 1-based): chr1:58,668,987, C>A on the plus strand (G>T on the coding strand, the complement: MYSM1 is on the minus strand). VCF-style: chr1-58668987-C-A. GRCh37 (hg19) VCF-style: chr1-59134659-C-A.
Other names: short protein forms K571N.
Identifiers: ClinVar variation 1473594 (VCV001473594.7), dbSNP rs1417102333, ClinGen allele CA340520068.